The following is an entry in ClinVar:

NM_000784.4(CYP27A1):c.1303C>T (p.Pro435Ser)

Gene: CYP27A1 (cytochrome P450 family 27 subfamily A member 1; plus strand). Cytogenetic location: 2q35.
Variant type: single nucleotide variant.
Coding change: c.1303C>T on transcript NM_000784.4 (MANE Select); coding-DNA position 1303, C replaced by T.
Protein change: p.Pro435Ser; replaces proline 435 with serine.
Molecular consequence: missense variant.
Genome position (GRCh38, 1-based): chr2:218,814,584, C>T. VCF-style: chr2-218814584-C-T. GRCh37 (hg19) VCF-style: chr2-219679307-C-T.
Other names: short protein forms P435S.
Identifiers: ClinVar variation 4072606 (VCV004072606.1).

ClinVar aggregate classification (germline): Uncertain significance (1 of 4 stars; one submission).

gnomAD v4.1: 3 of 1,614,174 alleles (0.00019%); highest among the groups gnomAD compares: South Asian, 0.0011%; no homozygotes.

Submission:

GeneDx
Classification: Uncertain significance. Last evaluated: 2025-01-29. Review status: criteria provided, single submitter. Criteria: GeneDx Variant Classification Process June 2021. Collection method: clinical testing. Allele origin: germline. Affected: yes.
Comment: Not observed at significant frequency in large population cohorts (gnomAD); In silico analysis indicates that this missense variant does not alter protein structure/function; Has not been previously published as pathogenic or benign to our knowledge